The following is an entry in ClinVar:

ClinVar aggregate classification (germline): Uncertain significance (1 of 4 stars; one submission).

Submission:

GeneDx
Classification: Uncertain significance. Last evaluated: 2026-06-04. Review status: criteria provided, single submitter. Criteria: GeneDx Variant Classification Process June 2021. Collection method: clinical testing. Allele origin: germline.
Comment: Not observed at significant frequency in large population cohorts (gnomAD); In silico analysis suggests that this missense variant does not alter protein structure/function; Has not been previously published as pathogenic or benign to our knowledge

NM_002547.3(OPHN1):c.1961G>C (p.Ser654Thr)

Gene: OPHN1 (oligophrenin 1; minus strand). Cytogenetic location: Xq12.
Variant type: single nucleotide variant.
Coding change: c.1961G>C on transcript NM_002547.3 (MANE Select); coding-DNA position 1961, G replaced by C.
Protein change: p.Ser654Thr; replaces serine 654 with threonine.
Molecular consequence: missense variant.
Genome position (GRCh38, 1-based): chrX:68,064,051, C>G on the plus strand (G>C on the coding strand, the complement: OPHN1 is on the minus strand). VCF-style: chrX-68064051-C-G. GRCh37 (hg19) VCF-style: chrX-67283893-C-G.
Other names: short protein forms S654T.
Identifiers: ClinVar variation 3899783 (VCV003899783.2).